The following is an entry in ClinVar:

NM_022124.6(CDH23):c.6614C>T (p.Pro2205Leu)

Gene: CDH23 (cadherin related 23; plus strand). Cytogenetic location: 10q22.1.
Variant type: single nucleotide variant.
Coding change: c.6614C>T on transcript NM_022124.6 (MANE Select); coding-DNA position 6614, C replaced by T.
Protein change: p.Pro2205Leu; replaces proline 2205 with leucine.
Molecular consequence: missense variant.
Genome position (GRCh38, 1-based): chr10:71,793,542, C>T. VCF-style: chr10-71793542-C-T. GRCh37 (hg19) VCF-style: chr10-73553299-C-T.
Other names: NM_022124.5(CDH23):c.6614C>T; NM_022124.6(CDH23):c.6614C>T; short protein forms P2205L.
Identifiers: ClinVar variation 46014 (VCV000046014.26), dbSNP rs397517349, ClinGen allele CA137541.

ClinVar aggregate classification (germline): Uncertain significance. Review status: reviewed by expert panel (3 of 4 stars). 13 submissions from 11 submitters: Uncertain significance (1). 12 of the submissions do not count toward it. Last evaluated 2023-11-15.

Conditions:
CDH23-related disorder. Also called: CDH23-related disorders; CDH23-related condition.
Usher syndrome. Also called: Usher Syndromes; Usher's syndrome. Identifiers: Orphanet 886, MedGen CN469326, MeSH D052245, MONDO:0019501. Disease mechanism: loss of function.
Pituitary adenoma 5, multiple types. Identifiers: MedGen C4539685, MONDO:0054601, OMIM 617540.
Rare genetic deafness. Identifiers: Orphanet 96210, MedGen C5680250.
Monogenic hearing loss.
Inborn genetic diseases. Identifiers: MedGen C0950123, MeSH D030342.
Usher syndrome type 1 (USH1). Also called: RETINITIS PIGMENTOSA AND CONGENITAL DEAFNESS. Identifiers: Orphanet 231169, Orphanet 886, MedGen C1568247, MONDO:0010168, OMIM 276900.
Autosomal recessive nonsyndromic hearing loss 12. Also called: DEAFNESS, AUTOSOMAL RECESSIVE 12. Identifiers: Orphanet 90636, MedGen C1832394, MONDO:0011067, OMIM 601386.
Usher syndrome type 1D (USH1D). Also called: USHER SYNDROME, TYPE ID. Identifiers: Orphanet 231169, Orphanet 886, MedGen C1832845, MONDO:0010984, OMIM 601067.

Allele frequency attached by ClinVar (database versions not stated): gnomAD exomes below 0.00001 and 0.00001; TOPMed below 0.00001; gnomAD 0.00001.
gnomAD v4.1: 14 of 1,613,702 alleles (0.00087%); highest among the groups gnomAD compares: Middle Eastern, 0.099%; no homozygotes.

Submissions (13):

ClinGen Hearing Loss Variant Curation Expert Panel
Classification: Uncertain significance for Usher syndrome. Last evaluated: 2023-11-15. Review status: reviewed by expert panel. Criteria: Clingen Hl Acmg Specifications Cdh23 Coch Gjb2 Kcnq4 Myo6 Myo7a Slc26a4 Tecta Ush2a V2. Collection method: curation. Allele origin: germline. Inheritance: Autosomal recessive inheritance.
Comment: The variant c.6614C>T (NM_022124.6(CDH23):c.6614C>T (p.Pro2205Leu)) in CDH23 is a missense variant predicted to cause substitution of proline by leucine at amino acid 2205 (p.Pro2205Leu). The highest population minor allele frequency in gnomAD v4.0.0 is 0.000002920 (8/1179896 alleles) in the European (non-Finnish) population, which is lower than the ClinGen Hearing Loss VCEP threshold (<0.00007) for PM2_Supporting, meeting this criterion (PM2_Supporting). The computational predictor REVEL gives a score of 0.342, which is neither above nor below the thresholds predicting a damaging or benign impact on CDH23 function. This variant has been detected in at least 8 individuals with autosomal recessive hearing loss. All of these individuals were homozygous for the variant (1.0 pts; PMIDs: 28501645, 32747562 & LMM Internal Data (SCV000062934.5); PM3). There was a common haplotype found between five affected individuals from three families, one of which had three affected siblings, including a set of twins. Personal communication confirmed the three siblings were sequenced; however, it was not apparent whether the twins were dizygotic or monozygotic and therefore only one twin was counted toward segregation (PP1_Supporting; 28501645). In summary, this variant meets the criteria to be classified as uncertain significance for autosomal recessive Usher syndrome, based on the ACMG/AMP criteria applied, as specified by the ClinGen Hearing Loss VCEP (PM2_Supporting, PM3, PP1_Supporting; Version 2; 11/15/23).

Genetics Laboratory, Great Ormond Street Hospital NHS Foundation Trust, North Thames Genomic Laboratory Hub
Classification: Likely pathogenic for Monogenic hearing loss. Last evaluated: 2025-09-26. Review status: criteria provided, single submitter. Criteria: ACGS Best Practice Guidelines for Variant Classification in Rare Disease 2024 v1.2. Collection method: clinical testing. Allele origin: germline. Affected: yes. Not counted in ClinVar's aggregate classification.
Comment: PM2_moderate, BP4_supporting, PP1_strong, PM3_moderate

Natera, Inc.
Classification: Likely pathogenic for Usher syndrome type 1. Last evaluated: 2025-06-15. Review status: criteria provided, single submitter. Criteria: Natera Variant Classification Schema (03/2026). Collection method: clinical testing. Allele origin: germline. Not counted in ClinVar's aggregate classification.
Comment: The c.6614C>T variant in CDH23 is a missense variant predicted to cause substitution of proline to leucine at amino acid 2205. This variant is rare in the general population with a frequency below the threshold expected for the associated phenotype(s). This variant has been observed in one or more individuals affected with the associated recessive disease, as either homozygous or compound heterozygous with a second variant (PMID: 28501645, 32747562). Additionally, this variant has been observed to segregate in affected family members (PMID: 28501645). Computational prediction algorithms indicate this variant is likely to affect gene or protein function. Given the available evidence, this variant is classified as Likely Pathogenic.

GeneDx
Classification: Uncertain significance. Last evaluated: 2024-11-25. Review status: criteria provided, single submitter. Criteria: GeneDx Variant Classification Process June 2021. Collection method: clinical testing. Allele origin: germline. Affected: yes. Not counted in ClinVar's aggregate classification.
Comment: In silico analysis supports that this missense variant has a deleterious effect on protein structure/function; This variant is associated with the following publications: (PMID: 25356970, 34426522, 31860473, 34338889, 32747562, 26969326, 38844983, 38517009, 38378725, 28501645)

Baylor Genetics
Classification: Likely pathogenic for Pituitary adenoma 5, multiple types. Last evaluated: 2024-03-14. Review status: criteria provided, single submitter. Criteria: ACMG Guidelines, 2015. Collection method: clinical testing. Allele origin: unknown. Not counted in ClinVar's aggregate classification.

Blueprint Genetics
Classification: Pathogenic for CDH23-related disorders. Last evaluated: 2024-03-01. Review status: criteria provided, single submitter. Criteria: ACMG Guidelines, 2015. Collection method: clinical testing. Allele origin: germline. Affected: yes. Observed: 5 variant alleles. Not counted in ClinVar's aggregate classification.

Women's Health and Genetics/Laboratory Corporation of America, LabCorp
Classification: Pathogenic for Usher syndrome. Last evaluated: 2023-06-05. Review status: criteria provided, single submitter. Criteria: LabCorp Variant Classification Summary - May 2015. Collection method: clinical testing. Allele origin: germline. Not counted in ClinVar's aggregate classification.
Comment: Variant summary: CDH23 c.6614C>T (p.Pro2205Leu) results in a non-conservative amino acid change in the encoded protein sequence. Four of five in-silico tools predict a damaging effect of the variant on protein function. The variant allele was found at a frequency of 4e-06 in 248748 control chromosomes (gnomAD v2), absent in 316 control individuals from Middle Eastern (gnomAD v3) and absent in 1309 Palestinian controls (Rayyan _2020). c.6614C>T has been reported in the literature in multiple individuals affected with Non-syndromic hearing loss, including being seen phase unknown along with a VUS missense in a sporadic case (Sloan_Heggen_2016), in homozygous state in 5 patients from 3 consanguineous pedigrees in Qatar (Alkowari_2017), and in homozygous state in 2 patients from 2 Palestinian families (Rayyan _2020). Haplotype analysis of the patients revealed a same haplotype across those patients from Qatar, which support a common ancestor in those patients or a founder effect of this variant (Alkowari_2017). These data indicate that the variant is very likely to be associated with disease. To our knowledge, no experimental evidence demonstrating an impact on protein function has been reported. The following publications have been ascertained in the context of this evaluation (PMID: 28501645, 29048421, 32747562, 26969326). Five clinical diagnostic laboratories have submitted clinical-significance assessments for this variant to ClinVar after 2014 among which four (including the ClinGen Hearing Loss Variant Curation Expert Panel) classified the variant as VUS, and one as likely pathogenic. Some submitters classifying the variant as uncertain significance cited the expert panel assertion and cited overlapping but not identical evidence captured in the context of this ascertainment. Based on the additional emerging evidence outlined above, the variant was classified as pathogenic.

Laboratory for Molecular Medicine, Mass General Brigham Personalized Medicine
Classification: Uncertain significance for Rare genetic deafness. Last evaluated: 2023-02-02. Review status: criteria provided, single submitter. Criteria: ACMG Guidelines, 2015. Collection method: clinical testing. Allele origin: germline. Not counted in ClinVar's aggregate classification.
Comment: Of the three individuals with hearing loss, one was homozygous, one individual was heterozygous, and one was compound heterozygous with a second CDH23 variant of uncertain significance. This variant was absent from large population studies, though none of these studies specify frequency data for individuals of Middle Eastern ancestry. Computational prediction tools and conservation analyses suggest that this variant may impact the protein, though this information is not predictive enough to determine pathogenicity. In summary, the clinical significance of this variant is uncertain. ACMG/AMP Criteria applied: PM3_supporting.

King Laboratory, University of Washington
Classification: Likely pathogenic for Autosomal recessive nonsyndromic hearing loss 12. Last evaluated: 2020-08-01. Review status: criteria provided, single submitter. Criteria: Abu Rayyan A et al. (Proc Natl Acad Sci U S A 2020). Collection method: research. Allele origin: germline. Affected: yes. Not counted in ClinVar's aggregate classification.
Comment: CDH23 c.6614C>T, p.E1071K alters a highly conserved residue of CDH23. The variant is homozygous in 3 children from 2 Palestinian families with moderate pre-lingual hearing loss (Abu Rayyan 2020). It was found also in 6 Palestinian children in compound heterozygosity with CDH23 c.1675C>T. The variant is absent from 1300 Palestinian controls and from gnomAD v2.1.1. This variant was previously interpreted as a VUS by the Expert Panel due to few Arab population controls. We suggest reclassification to LP given perfect co-segregation with hearing loss in additional families (both as a homozygote and as a compound heterozygote) and its absence from 1300 ancestry-matched controls

Baylor Genetics
Classification: Uncertain significance for Autosomal recessive nonsyndromic hearing loss 12. Last evaluated: 2019-08-23. Review status: criteria provided, single submitter. Criteria: ACMG Guidelines, 2015. Collection method: clinical testing. Allele origin: unknown. Affected: yes. Not counted in ClinVar's aggregate classification.
Comment: This variant was determined to be of uncertain significance according to ACMG Guidelines, 2015 [PMID:25741868].

Ambry Genetics
Classification: Uncertain significance for Inborn genetic diseases. Review status: criteria provided, single submitter. Criteria: Ambry exome assertion method (8-5-2015). Collection method: clinical testing. Allele origin: germline. Inheritance: Autosomal recessive inheritance. Affected: yes. Observed: 1 heterozygote. Segregation with disease observed. Not counted in ClinVar's aggregate classification.
Comment: Overall WES conclusion for patient, including all identified alterations: Uncertain

Baylor Genetics
Classification: Likely pathogenic for Usher syndrome type 1D. Review status: criteria provided, single submitter. Criteria: ACMG Guidelines, 2015. Collection method: clinical testing. Allele origin: unknown. Not counted in ClinVar's aggregate classification.

Genomic Medicine Center of Excellence, King Faisal Specialist Hospital and Research Centre
Classification: Likely pathogenic. Review status: criteria provided, single submitter. Criteria: ACMG Guidelines, 2015. Collection method: research. Allele origin: germline. Affected: yes. Not counted in ClinVar's aggregate classification.

Literature cited by the submitters: PubMed 28501645 (cited by Natera, Inc. and Women's Health and Genetics/Laboratory Corporation of America, LabCorp); PubMed 32747562 (cited by Natera, Inc. and Women's Health and Genetics/Laboratory Corporation of America, LabCorp); PubMed 26969326 (cited by Women's Health and Genetics/Laboratory Corporation of America, LabCorp and Laboratory for Molecular Medicine, Mass General Brigham Personalized Medicine); PubMed 29048421 (cited by Women's Health and Genetics/Laboratory Corporation of America, LabCorp); PubMed 25356970 (cited by Ambry Genetics).